The following is an entry in ClinVar:

NM_000302.4(PLOD1):c.1214C>T (p.Ala405Val)

Gene: PLOD1 (procollagen-lysine,2-oxoglutarate 5-dioxygenase 1; plus strand). Cytogenetic location: 1p36.22.
Variant type: single nucleotide variant.
Coding change: c.1214C>T on transcript NM_000302.4 (MANE Select); coding-DNA position 1214, C replaced by T.
Protein change: p.Ala405Val; replaces alanine 405 with valine.
Molecular consequence: missense variant.
Genome position (GRCh38, 1-based): chr1:11,964,186, C>T. VCF-style: chr1-11964186-C-T. GRCh37 (hg19) VCF-style: chr1-12024243-C-T.
Other names: c.1355C>T, p.Ala452Val (NM_001316320.2); short protein forms A452V, A405V.
Identifiers: ClinVar variation 2450253 (VCV002450253.2), dbSNP rs1164301134, ClinGen allele CA338440927.

ClinVar aggregate classification (germline): Uncertain significance (1 of 4 stars; one submission).

Conditions:
Familial thoracic aortic aneurysm and aortic dissection (TAAD). Also called: Thoracic aortic aneurysms and dissections. Identifiers: Orphanet 91387, MedGen C4707243, MONDO:0019625.

Submission:

Ambry Genetics
Classification: Uncertain significance for Familial thoracic aortic aneurysm and aortic dissection. Last evaluated: 2023-02-16. Review status: criteria provided, single submitter. Criteria: Ambry Variant Classification Scheme 2023. Collection method: clinical testing. Allele origin: germline.
Comment: The p.A405V variant (also known as c.1214C>T), located in coding exon 12 of the PLOD1 gene, results from a C to T substitution at nucleotide position 1214. The alanine at codon 405 is replaced by valine, an amino acid with similar properties. This amino acid position is conserved. In addition, this alteration is predicted to be deleterious by in silico analysis. Since supporting evidence is limited at this time, the clinical significance of this alteration remains unclear.